The following is an entry in ClinVar:

NM_021999.5(ITM2B):c.710T>C (p.Ile237Thr)

Gene: ITM2B (integral membrane protein 2B; plus strand). Cytogenetic location: 13q14.2.
Variant type: single nucleotide variant.
Coding change: c.710T>C on transcript NM_021999.5 (MANE Select); coding-DNA position 710, T replaced by C.
Protein change: p.Ile237Thr; replaces isoleucine 237 with threonine.
Molecular consequence: missense variant.
Genome position (GRCh38, 1-based): chr13:48,258,942, T>C. VCF-style: chr13-48258942-T-C. GRCh37 (hg19) VCF-style: chr13-48833078-T-C.
Other names: short protein forms I237T.
Identifiers: ClinVar variation 2090458 (VCV002090458.4), dbSNP rs371745063, ClinGen allele CA6978836.

ClinVar aggregate classification (germline): Uncertain significance (1 of 4 stars; one submission).

Allele frequency attached by ClinVar (database versions not stated): gnomAD exomes below 0.00001; gnomAD 0.00001; TOPMed 0.00001; ESP Exome Variant Server 0.00008; ExAC 0.00001.
gnomAD v4.1: 3 of 1,611,588 alleles (0.00019%); highest among the groups gnomAD compares: Non-Finnish European, 0.00025%; no homozygotes.

Submission:

Labcorp Genetics (formerly Invitae), Labcorp
Classification: Uncertain significance. Last evaluated: 2025-03-22. Review status: criteria provided, single submitter. Criteria: Invitae Variant Classification Sherloc (09022015). Collection method: clinical testing. Allele origin: germline.
Comment: This sequence change replaces isoleucine, which is neutral and non-polar, with threonine, which is neutral and polar, at codon 237 of the ITM2B protein (p.Ile237Thr). This variant is present in population databases (rs371745063, gnomAD 0.0009%). This variant has not been reported in the literature in individuals affected with ITM2B-related conditions. ClinVar contains an entry for this variant (Variation ID: 2090458). Invitae Evidence Modeling of protein sequence and biophysical properties (such as structural, functional, and spatial information, amino acid conservation, physicochemical variation, residue mobility, and thermodynamic stability) indicates that this missense variant is not expected to disrupt ITM2B protein function with a negative predictive value of 80%. In summary, the available evidence is currently insufficient to determine the role of this variant in disease. Therefore, it has been classified as a Variant of Uncertain Significance.